The following is an entry in ClinVar:

NM_032806.6(POMGNT2):c.*2G>A

Gene: POMGNT2 (protein O-linked mannose N-acetylglucosaminyltransferase 2 (beta 1,4-); minus strand). Cytogenetic location: 3p22.1.
Variant type: single nucleotide variant.
Coding change: c.*2G>A on transcript NM_032806.6 (MANE Select); 2 bases downstream of the stop codon, G replaced by A.
Molecular consequence: 3 prime UTR variant.
Genome position (GRCh38, 1-based): chr3:43,079,687, C>T on the plus strand (G>A on the coding strand, the complement: POMGNT2 is on the minus strand). VCF-style: chr3-43079687-C-T. GRCh37 (hg19) VCF-style: chr3-43121179-C-T.
Identifiers: ClinVar variation 385243 (VCV000385243.3), dbSNP rs111777493, ClinGen allele CA2339796.
Genomic context (GRCh38, chr3:43,079,687, plus strand): 5'-ATGGGCCCAGGGACGCTGAACTGCAGGAGCCACCTTCCCGAGGCCAGGCTGTGGCCTGCT[C>T]GCTACGTGTTGCACACCAGCACATCTGCAAAGGGTCCCAGGAGGATCTTGTTGAAGATGC-3'

ClinVar aggregate classification (germline): Benign. Review status: criteria provided, multiple submitters, no conflicts (2 of 4 stars). 3 submissions from 3 submitters: Benign (3). Last evaluated 2024-08-09.

Allele frequency attached by ClinVar (database versions not stated): gnomAD 0.01102 and 0.01179; ESP Exome Variant Server 0.01246; 1000 Genomes Project 0.01418; gnomAD exomes 0.00311 and 0.00110; ExAC 0.00408; TOPMed 0.01242; 1000 Genomes Project 30x 0.01312.
gnomAD v4.1: 3,391 of 1,608,040 alleles (0.21%); highest among the groups gnomAD compares: African/African-American, 3.9%; 75 homozygotes.

Submissions (3):

Mayo Clinic Laboratories, Mayo Clinic
Classification: Benign. Last evaluated: 2024-08-09. Review status: criteria provided, single submitter. Criteria: ACMG Guidelines, 2015. Collection method: clinical testing. Allele origin: germline. Observed: 7 variant alleles.

GeneDx
Classification: Benign. Last evaluated: 2016-07-05. Review status: criteria provided, single submitter. Criteria: GeneDx Variant Classification (06012015). Collection method: clinical testing. Allele origin: germline. Affected: yes.
Comment: This variant is considered likely benign or benign based on one or more of the following criteria: it is a conservative change, it occurs at a poorly conserved position in the protein, it is predicted to be benign by multiple in silico algorithms, and/or has population frequency not consistent with disease.

Breakthrough Genomics
Classification: Benign. Review status: criteria provided, single submitter. Criteria: ACMG Guidelines, 2015. Collection method: not provided. Allele origin: germline. Inheritance: Autosomal recessive inheritance. Affected: yes.